The following is an entry in ClinVar:

NM_003590.5(CUL3):c.1431G>T (p.Met477Ile)

Gene: CUL3 (cullin 3; minus strand). Cytogenetic location: 2q36.2.
Variant type: single nucleotide variant.
Coding change: c.1431G>T on transcript NM_003590.5 (MANE Select); coding-DNA position 1431, G replaced by T.
Protein change: p.Met477Ile; replaces methionine 477 with isoleucine.
Molecular consequence: missense variant.
Genome position (GRCh38, 1-based): chr2:224,503,019, C>A on the plus strand (G>T on the coding strand, the complement: CUL3 is on the minus strand). VCF-style: chr2-224503019-C-A. GRCh37 (hg19) VCF-style: chr2-225367736-C-A.
Other names: c.1233G>T, p.Met411Ile (NM_001257197.2); c.1449G>T, p.Met483Ile (NM_001257198.2); short protein forms M411I, M477I, M483I.
Identifiers: ClinVar variation 3364323 (VCV003364323.1).

ClinVar aggregate classification (germline): Uncertain significance (1 of 4 stars; one submission).

gnomAD v4.1: 1 of 1,614,038 alleles (0.000062%); highest among the groups gnomAD compares: Non-Finnish European, 0.000085%; no homozygotes.

Submission:

GeneDx
Classification: Uncertain significance. Last evaluated: 2023-11-13. Review status: criteria provided, single submitter. Criteria: GeneDx Variant Classification Process June 2021. Collection method: clinical testing. Allele origin: germline. Affected: yes.
Comment: Not observed at significant frequency in large population cohorts (gnomAD); In silico analysis supports that this missense variant does not alter protein structure/function; Has not been previously published as pathogenic or benign to our knowledge